The following is an entry in ClinVar:

ClinVar aggregate classification (germline): Likely benign (1 of 4 stars; one submission).

gnomAD v4.1: 8 of 1,610,716 alleles (0.0005%); highest among the groups gnomAD compares: South Asian, 0.0011%; no homozygotes.

Submission:

CeGaT Center for Human Genetics Tuebingen
Classification: Likely benign. Last evaluated: 2025-05-01. Review status: criteria provided, single submitter. Criteria: CeGaT Center For Human Genetics Tuebingen Variant Classification Criteria Version 2. Collection method: clinical testing. Allele origin: germline. Affected: yes. Observed: 1 variant allele.
Comment: TELO2: BP4, BP7

NM_016111.4(TELO2):c.2286C>T (p.Ile762=)

Gene: TELO2 (telomere maintenance 2; plus strand). Cytogenetic location: 16p13.3.
Variant type: single nucleotide variant.
Coding change: c.2286C>T on transcript NM_016111.4 (MANE Select); coding-DNA position 2286, C replaced by T.
Protein change: p.Ile762=; no amino-acid change (isoleucine 762 retained).
Molecular consequence: synonymous variant.
Genome position (GRCh38, 1-based): chr16:1,507,365, C>T. VCF-style: chr16-1507365-C-T. GRCh37 (hg19) VCF-style: chr16-1557366-C-T.
Other names: c.2286C>T, p.Ile762= (NM_001351846.2).
Identifiers: ClinVar variation 3905641 (VCV003905641.10).